The following is an entry in ClinVar:

NM_001048174.2(MUTYH):c.257G>A (p.Arg86Lys)

Gene: MUTYH (mutY DNA glycosylase; minus strand). Cytogenetic location: 1p34.1.
Variant type: single nucleotide variant.
Coding change: c.257G>A on transcript NM_001048174.2 (MANE Select); coding-DNA position 257, G replaced by A.
Protein change: p.Arg86Lys; replaces arginine 86 with lysine.
Molecular consequence: missense variant. On other transcripts: 5 prime UTR variant (4), non-coding transcript variant (2).
Genome position (GRCh38, 1-based): chr1:45,333,420, C>T on the plus strand (G>A on the coding strand, the complement: MUTYH is on the minus strand). VCF-style: chr1-45333420-C-T. GRCh37 (hg19) VCF-style: chr1-45799092-C-T.
Other names: c.257G>A, p.Arg86Lys (NM_001048171.2, NM_001048173.2, NM_001293195.2); c.260G>A, p.Arg87Lys (NM_001048172.2); c.341G>A, p.Arg114Lys (NM_001128425.2); c.302G>A, p.Arg101Lys (NM_001293190.2); c.290G>A, p.Arg97Lys (NM_001293191.2); c.-20G>A (NM_001293192.2, NM_001293196.2); c.-15G>A (NM_001350650.2, NM_001350651.2); c.332G>A, p.Arg111Lys (NM_012222.3); short protein forms R114K, R87K, R111K, R86K, R97K, R101K.
Identifiers: ClinVar variation 566323 (VCV000566323.8), dbSNP rs1557485377, ClinGen allele CA340136344.

ClinVar aggregate classification (germline): Uncertain significance (1 of 4 stars; one submission).

Conditions:
Familial adenomatous polyposis 2. Also called: MYH-associated polyposis; FAP type 2; COLORECTAL ADENOMATOUS POLYPOSIS, AUTOSOMAL RECESSIVE; ADENOMAS, MULTIPLE COLORECTAL, AUTOSOMAL RECESSIVE; MUTYH-related attenuated familial adenomatous polyposis; MUTYH Polyposis. Identifiers: Orphanet 220460, Orphanet 247798, MedGen C3272841, MONDO:0012041, OMIM 608456.

Submission:

Labcorp Genetics (formerly Invitae), Labcorp
Classification: Uncertain significance for Familial adenomatous polyposis 2. Last evaluated: 2025-11-27. Review status: criteria provided, single submitter. Criteria: Invitae Variant Classification Sherloc (09022015). Collection method: clinical testing. Allele origin: germline.
Comment: This sequence change replaces arginine, which is basic and polar, with lysine, which is basic and polar, at codon 114 of the MUTYH protein (p.Arg114Lys). This variant is not present in population databases (gnomAD no frequency). This variant has not been reported in the literature in individuals affected with MUTYH-related conditions. ClinVar contains an entry for this variant (Variation ID: 566323). An algorithm developed to predict the effect of missense changes on protein structure and function (PolyPhen-2) suggests that this variant is likely to be disruptive. In summary, the available evidence is currently insufficient to determine the role of this variant in disease. Therefore, it has been classified as a Variant of Uncertain Significance.